The following is an entry in ClinVar:

ClinVar aggregate classification (germline): Likely benign. Review status: criteria provided, multiple submitters, no conflicts (2 of 4 stars). 2 submissions from 2 submitters: Likely benign (2). Last evaluated 2025-10-13.

Allele frequency attached by ClinVar (database versions not stated): gnomAD exomes below 0.00001.
gnomAD v4.1: 1 of 1,536,266 alleles (0.000065%); highest among the groups gnomAD compares: Admixed American, 0.002%; no homozygotes.

Submissions (2):

Labcorp Genetics (formerly Invitae), Labcorp
Classification: Likely benign. Last evaluated: 2025-10-13. Review status: criteria provided, single submitter. Criteria: Invitae Variant Classification Sherloc (09022015). Collection method: clinical testing. Allele origin: germline.

Mayo Clinic Laboratories, Mayo Clinic
Classification: Likely benign. Last evaluated: 2025-06-06. Review status: criteria provided, single submitter. Criteria: ACMG Guidelines, 2015. Collection method: clinical testing. Allele origin: germline. Observed: 1 variant allele.
Comment: BP4, BP7, PM2_supporting

NM_001367624.2(ZNF469):c.10107G>T (p.Arg3369=)

Genes: ZNF469 (zinc finger protein 469; plus strand), LOC130059719 (ATAC-STARR-seq lymphoblastoid silent region 7848; plus strand). Cytogenetic location: 16q24.2.
Variant type: single nucleotide variant.
Coding change: c.10107G>T on transcript NM_001367624.2 (MANE Select); coding-DNA position 10107, G replaced by T.
Protein change: p.Arg3369=; no amino-acid change (arginine 3369 retained).
Molecular consequence: synonymous variant.
Genome position (GRCh38, 1-based): chr16:88,437,577, G>T. VCF-style: chr16-88437577-G-T. GRCh37 (hg19) VCF-style: chr16-88503985-G-T.
Other names: p.Arg3369=.
Identifiers: ClinVar variation 2964678 (VCV002964678.4), dbSNP rs1431784622, ClinGen allele CA497358776.